The following is an entry in ClinVar:

ClinVar aggregate classification (germline): Uncertain significance (1 of 4 stars; one submission).

Conditions:
Hereditary cancer-predisposing syndrome. Also called: Neoplastic Syndromes, Hereditary; Tumor predisposition; Hereditary Cancer Syndrome; Hereditary neoplastic syndrome. Identifiers: Orphanet 140162, MedGen C0027672, MeSH D009386, MONDO:0015356.

Submission:

Ambry Genetics
Classification: Uncertain significance for Hereditary cancer-predisposing syndrome. Last evaluated: 2016-07-01. Review status: criteria provided, single submitter. Criteria: Ambry Variant Classification Scheme 2023. Collection method: clinical testing. Allele origin: germline.
Comment: The p.K22Q variant (also known as c.64A>C), located in coding exon 1 of the CDK4 gene, results from an A to C substitution at nucleotide position 64. The lysine at codon 22 is replaced by glutamine, an amino acid with similar properties. This variant was not reported in population based cohorts in the following databases: Database of Single Nucleotide Polymorphisms (dbSNP), NHLBI Exome Sequencing Project (ESP), and 1000 Genomes Project. In the ESP, this variant was not observed in 6503 samples (13006 alleles) with coverage at this position. To date, this alteration has been detected with an allele frequency of approximately 0.001% (greater than 70000 alleles tested) in our clinical cohort. This amino acid position is highly conserved in available vertebrate species. In addition, the in silico prediction for this alteration is inconclusive. Since supporting evidence is limited at this time, the clinical significance of this alteration remains unclear.

NM_000075.4(CDK4):c.64A>C (p.Lys22Gln)

Gene: CDK4 (cyclin dependent kinase 4; minus strand). Cytogenetic location: 12q14.1.
Variant type: single nucleotide variant.
Coding change: c.64A>C on transcript NM_000075.4 (MANE Select); coding-DNA position 64, A replaced by C.
Protein change: p.Lys22Gln; replaces lysine 22 with glutamine.
Molecular consequence: missense variant.
Genome position (GRCh38, 1-based): chr12:57,751,654, T>G on the plus strand (A>C on the coding strand, the complement: CDK4 is on the minus strand). VCF-style: chr12-57751654-T-G. GRCh37 (hg19) VCF-style: chr12-58145437-T-G.
Other names: short protein forms K22Q.
Identifiers: ClinVar variation 485487 (VCV000485487.5), dbSNP rs1555201381, ClinGen allele CA385549047.